The following is an entry in ClinVar:

NM_001267550.2(TTN):c.25545T>C (p.Val8515=)

Gene: TTN (titin; minus strand). Cytogenetic location: 2q31.2.
Variant type: single nucleotide variant.
Coding change: c.25545T>C on transcript NM_001267550.2 (MANE Select); coding-DNA position 25545, T replaced by C.
Protein change: p.Val8515=; no amino-acid change (valine 8515 retained).
Molecular consequence: synonymous variant. On other transcripts: intron variant (3).
Genome position (GRCh38, 1-based): chr2:178,717,189, A>G on the plus strand (T>C on the coding strand, the complement: TTN is on the minus strand). VCF-style: chr2-178717189-A-G. GRCh37 (hg19) VCF-style: chr2-179581916-A-G.
Other names: c.21813T>C, p.Val7271= (NM_133378.4); c.24594T>C, p.Val8198= (NM_001256850.1); c.13282+20893T>C (NM_003319.4); c.13858+20893T>C (NM_133437.4); c.13657+20893T>C (NM_133432.3).
Identifiers: ClinVar variation 46760 (VCV000046760.5), dbSNP rs397517515, ClinGen allele CA139133.

ClinVar aggregate classification (germline): Likely benign (1 of 4 stars; one submission).

Allele frequency attached by ClinVar (database versions not stated): gnomAD exomes below 0.00001; TOPMed 0.00001 and below 0.00001.
gnomAD v4.1: 1 of 1,613,650 alleles (0.000062%); highest among the groups gnomAD compares: Non-Finnish European, 0.000085%; no homozygotes.

Submission:

Laboratory for Molecular Medicine, Mass General Brigham Personalized Medicine
Classification: Likely benign. Last evaluated: 2012-05-01. Review status: criteria provided, single submitter. Criteria: LMM Criteria. Collection method: clinical testing. Allele origin: germline. Observed: 1 variant allele.
Comment: Val7271Val in exon 85 of TTN: This variant is not expected to have clinical sign ificance because it does not alter an amino acid residue and is not located with in the splice consensus sequence. Val7271Val in exon 85 of TTN (allele frequenc y = n/a)